The following is an entry in ClinVar:

ClinVar aggregate classification (germline): Uncertain significance. Review status: criteria provided, multiple submitters, no conflicts (2 of 4 stars). 5 submissions from 5 submitters: Uncertain significance (4). 1 of the submissions does not count toward it. Last evaluated 2025-08-13.

Conditions:
POLD1-related polyposis and colorectal cancer syndrome (CRCS10). Also called: Colorectal cancer, susceptibility to, 10; Colorectal cancer 10; COLORECTAL CANCER, SUSCEPTIBILITY TO, ON CHROMOSOME 19q. Identifiers: Orphanet 220460, MedGen C2675481, MONDO:0012953, OMIM 612591.
Hereditary cancer-predisposing syndrome. Also called: Neoplastic Syndromes, Hereditary; Hereditary neoplastic syndrome; Hereditary Cancer Syndrome; Tumor predisposition. Identifiers: Orphanet 140162, MedGen C0027672, MeSH D009386, MONDO:0015356.
Mandibular hypoplasia-deafness-progeroid syndrome. Also called: Mandibular hypoplasia, deafness, progeroid features, and lipodystrophy syndrome. Identifiers: Orphanet 363649, MedGen C3715192, MONDO:0014157, OMIM 615381.

Allele frequency attached by ClinVar (database versions not stated): ExAC 0.00001; gnomAD 0.00001.
gnomAD v4.1: 21 of 1,582,758 alleles (0.0013%); highest among the groups gnomAD compares: Non-Finnish European, 0.0017%; no homozygotes.

Submissions (6):

Labcorp Genetics (formerly Invitae), Labcorp
Classification: Uncertain significance for POLD1-related polyposis and colorectal cancer syndrome. Last evaluated: 2025-08-13. Review status: criteria provided, single submitter. Criteria: Invitae Variant Classification Sherloc (09022015). Collection method: clinical testing. Allele origin: germline.
Comment: This sequence change affects an acceptor splice site in intron 5 of the POLD1 gene. Missense variants that disrupt the 3'-5' exonuclease (proof-reading) activity of the POLD1 protein are associated with PPAP (polymerase proofreading–associated polyposis) (PMID: 23263490, 23447401). However, loss-of-function variants that result in an absent or severely disrupted POLD1 protein, and missense variants outside the exonuclease domain, are unlikely to be associated with PPAP. This variant is present in population databases (rs758877520, gnomAD 0.002%). This variant has not been reported in the literature in individuals affected with POLD1-related conditions. ClinVar contains an entry for this variant (Variation ID: 372001). Studies have shown that disruption of this splice site is associated with inconclusive levels of altered splicing (internal data). In summary, the available evidence is currently insufficient to determine the role of this variant in disease. Therefore, it has been classified as a Variant of Uncertain Significance.

Ambry Genetics
Classification: Uncertain significance for Hereditary cancer-predisposing syndrome. Last evaluated: 2025-05-20. Review status: criteria provided, single submitter. Criteria: Ambry Variant Classification Scheme 2023. Collection method: clinical testing. Allele origin: germline.
Comment: The c.590-2A>G intronic variant results from an A to G substitution two nucleotides upstream from coding exon 5 in the POLD1 gene. This nucleotide position is highly conserved in available vertebrate species. In silico splice site analysis predicts that this alteration will weaken the native splice acceptor site. Alterations that disrupt the canonical splice site are expected to cause aberrant splicing, resulting in an abnormal protein or a transcript that is subject to nonsense-mediated mRNA decay. However, loss of function of POLD1 has not been established as a mechanism of disease. Based on the available evidence, the clinical significance of this variant remains unclear.

Fulgent Genetics
Classification: Uncertain significance for POLD1-related polyposis and colorectal cancer syndrome; Mandibular hypoplasia-deafness-progeroid syndrome. Last evaluated: 2021-08-20. Review status: criteria provided, single submitter. Criteria: ACMG Guidelines, 2015. Collection method: clinical testing. Allele origin: unknown.

GeneDx
Classification: Uncertain significance. Last evaluated: 2020-08-14. Review status: criteria provided, single submitter. Criteria: GeneDx Variant Classification Process June 2021. Collection method: clinical testing. Allele origin: germline. Affected: yes.
Comment: Canonical splice site variant predicted to result in a null allele, but clinical significance is uncertain; Some missense variants in POLD1 have been recognized as an underlying cause of Polymerase Proofreading-Associated Polyposis (PPAP); however, there are no data at this time to support that loss-of-function variants confer the same cancer risks; Not observed at a significant frequency in large population cohorts (Lek 2016); Has not been previously published as pathogenic or benign to our knowledge

Counsyl
Classification: Uncertain significance for POLD1-related polyposis and colorectal cancer syndrome. Last evaluated: 2016-10-11. Review status: no assertion criteria provided. Collection method: clinical testing. Allele origin: unknown. Not counted in ClinVar's aggregate classification.

Dr. Peter K. Rogan Lab, Western University
No classification provided (evidence only). Condition: Malignant tumor of urinary bladder. Review status: no classification provided. Collection method: in vitro. Allele origin: not applicable. Functional consequence: skipped exon, retained intron. Not counted in ClinVar's aggregate classification.

Literature cited by the submitters: PubMed 23263490 (cited by Labcorp Genetics (formerly Invitae), Labcorp); PubMed 23447401 (cited by Labcorp Genetics (formerly Invitae), Labcorp).

NM_002691.4(POLD1):c.590-2A>G

Gene: POLD1 (DNA polymerase delta 1, catalytic subunit; plus strand). Cytogenetic location: 19q13.33.
Variant type: single nucleotide variant.
Coding change: c.590-2A>G on transcript NM_002691.4 (MANE Select); the canonical splice acceptor site of the intron before coding-DNA position 590, A replaced by G.
Molecular consequence: splice acceptor variant.
Genome position (GRCh38, 1-based): chr19:50,402,203, A>G. VCF-style: chr19-50402203-A-G. GRCh37 (hg19) VCF-style: chr19-50905460-A-G.
Other names: c.590-2A>G (NM_001256849.1, NM_001308632.1).
Identifiers: ClinVar variation 372001 (VCV000372001.24), dbSNP rs758877520, ClinGen allele CA9595828.
Genomic context (GRCh38, chr19:50,402,203, plus strand): 5'-TCAGCGGGTTGGAGGGTCCCCTCGGGAGGCCATTGGCTGGTCCCAGCTTCTTCCATCCAC[A>G]GGCATGTTTGGGTACCACGGGCACGGCCCCTCCCCGTTCCTGCGCATCACCGTGGCGCTG-3'